The following is an entry in ClinVar:

ClinVar aggregate classification (germline): Uncertain significance. Review status: criteria provided, multiple submitters, no conflicts (2 of 4 stars). 2 submissions from 2 submitters: Uncertain significance (2). Last evaluated 2023-12-15.

Conditions:
Inborn genetic diseases. Identifiers: MedGen C0950123, MeSH D030342.

Allele frequency attached by ClinVar (database versions not stated): ExAC 0.00001; gnomAD exomes 0.00001; 1000 Genomes Project 30x 0.00016; 1000 Genomes Project 0.00020; TOPMed 0.00025.
gnomAD v4.1: 21 of 1,610,924 alleles (0.0013%); highest among the groups gnomAD compares: Admixed American, 0.027%; no homozygotes.

Submissions (2):

Ambry Genetics
Classification: Uncertain significance for Inborn genetic diseases. Last evaluated: 2023-12-15. Review status: criteria provided, single submitter. Criteria: Ambry Variant Classification Scheme 2023. Collection method: clinical testing. Allele origin: germline.

Labcorp Genetics (formerly Invitae), Labcorp
Classification: Uncertain significance. Last evaluated: 2022-08-19. Review status: criteria provided, single submitter. Criteria: Invitae Variant Classification Sherloc (09022015). Collection method: clinical testing. Allele origin: germline.
Comment: This sequence change replaces isoleucine, which is neutral and non-polar, with valine, which is neutral and non-polar, at codon 204 of the SI protein (p.Ile204Val). This variant is present in population databases (rs566771130, gnomAD 0.01%). This variant has not been reported in the literature in individuals affected with SI-related conditions. Advanced modeling of protein sequence and biophysical properties (such as structural, functional, and spatial information, amino acid conservation, physicochemical variation, residue mobility, and thermodynamic stability) performed at Invitae indicates that this missense variant is not expected to disrupt SI protein function. In summary, the available evidence is currently insufficient to determine the role of this variant in disease. Therefore, it has been classified as a Variant of Uncertain Significance.

NM_001041.4(SI):c.610A>G (p.Ile204Val)

Gene: SI (sucrase-isomaltase; minus strand). Cytogenetic location: 3q26.1.
Variant type: single nucleotide variant.
Coding change: c.610A>G on transcript NM_001041.4 (MANE Select); coding-DNA position 610, A replaced by G.
Protein change: p.Ile204Val; replaces isoleucine 204 with valine.
Molecular consequence: missense variant.
Genome position (GRCh38, 1-based): chr3:165,067,365, T>C on the plus strand (A>G on the coding strand, the complement: SI is on the minus strand). VCF-style: chr3-165067365-T-C. GRCh37 (hg19) VCF-style: chr3-164785153-T-C.
Other names: c.610A>G (NM_001041.3); short protein forms I204V.
Identifiers: ClinVar variation 2200272 (VCV002200272.2), dbSNP rs566771130, ClinGen allele CA2691423.